The following is an entry in ClinVar:

ClinVar aggregate classification (germline): Uncertain significance. Review status: criteria provided, multiple submitters, no conflicts (2 of 4 stars). 3 submissions from 3 submitters: Uncertain significance (3). Last evaluated 2024-11-18.

Conditions:
Cardiovascular phenotype. Identifiers: MedGen CN230736.
Hypertrophic cardiomyopathy. Also called: HYPERTROPHIC MYOCARDIOPATHY. Identifiers: Orphanet 217569, MedGen C0007194, MeSH D002312, MONDO:0005045, HP:0001639.
Cardiomyopathy (CMYO). Also called: Cardiomyopathies. Identifiers: Orphanet 167848, MedGen C0878544, MONDO:0004994, HP:0001638. Inheritance: Various modes of inheritance.

Allele frequency attached by ClinVar (database versions not stated): gnomAD exomes below 0.00001.
gnomAD v4.1: 1 of 1,614,150 alleles (0.000062%); highest among the groups gnomAD compares: Non-Finnish European, 0.000085%; no homozygotes.

Submissions (3):

Labcorp Genetics (formerly Invitae), Labcorp
Classification: Uncertain significance for Hypertrophic cardiomyopathy. Last evaluated: 2024-11-18. Review status: criteria provided, single submitter. Criteria: Invitae Variant Classification Sherloc (09022015). Collection method: clinical testing. Allele origin: germline.
Comment: This sequence change replaces glycine, which is neutral and non-polar, with glutamic acid, which is acidic and polar, at codon 682 of the MYH7 protein (p.Gly682Glu). This variant is not present in population databases (gnomAD no frequency). This variant has not been reported in the literature in individuals affected with MYH7-related conditions. ClinVar contains an entry for this variant (Variation ID: 3071909). An algorithm developed to predict the effect of missense changes on protein structure and function (PolyPhen-2) suggests that this variant is likely to be disruptive. In summary, the available evidence is currently insufficient to determine the role of this variant in disease. Therefore, it has been classified as a Variant of Uncertain Significance.

Ambry Genetics
Classification: Uncertain significance for Cardiovascular phenotype. Last evaluated: 2024-03-19. Review status: criteria provided, single submitter. Criteria: Ambry Variant Classification Scheme 2023. Collection method: clinical testing. Allele origin: germline.
Comment: The p.G682E variant (also known as c.2045G>A), located in coding exon 17 of the MYH7 gene, results from a G to A substitution at nucleotide position 2045. This variant impacts the first base pair of coding exon 17. The glycine at codon 682 is replaced by glutamic acid, an amino acid with similar properties. This alteration is located in the myosin head domain, which contains a statistically significant clustering of pathogenic missense variants (Homburger JR et al. Proc Natl Acad Sci U S A, 2016 06;113:6701-6; Walsh R et al. Genet Med, 2017 02;19:192-203; Ambry internal data). This variant has been detected in a hypertrophic cardiomyopathy cohort; however, clinical details were limited (Millat G et al. Clin Chim Acta, 2010 Dec;411:1983-91). This amino acid position is highly conserved in available vertebrate species. In addition, this alteration is predicted to be deleterious by in silico analysis. Based on the available evidence, the clinical significance of this alteration remains unclear.

All of Us Research Program, National Institutes of Health
Classification: Uncertain significance for Cardiomyopathy. Last evaluated: 2023-06-26. Review status: criteria provided, single submitter. Criteria: ACMG Guidelines, 2015. Collection method: clinical testing. Allele origin: germline. Inheritance: Autosomal dominant inheritance. Observed: 1 variant allele, 1 heterozygote.
Comment: This missense variant replaces glycine with glutamic acid at codon 682 of the MYH7 protein. This variant is found within a highly conserved region of the myosin head domain. Missense variants in this region have been shown to be significantly overrepresented in individuals with hypertrophic cardiomyopathy (PMID: 27532257). Computational prediction suggests that this variant may have deleterious impact on protein structure and function (internally defined REVEL score threshold >= 0.7, PMID: 27666373). To our knowledge, functional studies have not been reported for this variant. This variant has not been reported in individuals affected with cardiovascular disorders in the literature. This variant has not been identified in the general population by the Genome Aggregation Database (gnomAD). The available evidence is insufficient to determine the role of this variant in disease conclusively. Therefore, this variant is classified as a Variant of Uncertain Significance.

This study involves interpretation of variants in research participants for the purpose of population health screening. Participant phenotype was not available at the time of variant classification. Additional details can be found in publication PMID: 35346344, PMCID: PMC8962531

Literature cited by the submitters: PubMed 20800588 (cited by Ambry Genetics); PubMed 27532257 (cited by All of Us Research Program, National Institutes of Health).

NM_000257.4(MYH7):c.2045G>A (p.Gly682Glu)

Gene: MYH7 (myosin heavy chain 7; minus strand). Cytogenetic location: 14q11.2.
Variant type: single nucleotide variant.
Coding change: c.2045G>A on transcript NM_000257.4 (MANE Select); coding-DNA position 2045, G replaced by A.
Protein change: p.Gly682Glu; replaces glycine 682 with glutamic acid.
Molecular consequence: missense variant.
Genome position (GRCh38, 1-based): chr14:23,426,081, C>T on the plus strand (G>A on the coding strand, the complement: MYH7 is on the minus strand). VCF-style: chr14-23426081-C-T. GRCh37 (hg19) VCF-style: chr14-23895290-C-T.
Other names: c.2045G>A, p.Gly682Glu (NM_001407004.1); short protein forms G682E.
Identifiers: ClinVar variation 3071909 (VCV003071909.4), dbSNP rs2502289931, ClinGen allele CA389049240.